The following is an entry in ClinVar:

ClinVar aggregate classification (germline): Uncertain significance. Review status: criteria provided, multiple submitters, no conflicts (2 of 4 stars). 2 submissions from 2 submitters: Uncertain significance (2). Last evaluated 2025-07-15.

Conditions:
Inborn genetic diseases. Identifiers: MedGen C0950123, MeSH D030342.

Allele frequency attached by ClinVar (database versions not stated): ExAC 0.00002; gnomAD 0.00003; TOPMed 0.00003; gnomAD exomes 0.00005.
gnomAD v4.1: 80 of 1,614,118 alleles (0.005%); highest among the groups gnomAD compares: Non-Finnish European, 0.0061%; no homozygotes.

Submissions (2):

Ambry Genetics
Classification: Uncertain significance for Inborn genetic diseases. Last evaluated: 2025-07-15. Review status: criteria provided, single submitter. Criteria: Ambry Variant Classification Scheme 2023. Collection method: clinical testing. Allele origin: germline.

Labcorp Genetics (formerly Invitae), Labcorp
Classification: Uncertain significance. Last evaluated: 2025-04-14. Review status: criteria provided, single submitter. Criteria: Invitae Variant Classification Sherloc (09022015). Collection method: clinical testing. Allele origin: germline.
Comment: This sequence change replaces tryptophan, which is neutral and slightly polar, with arginine, which is basic and polar, at codon 831 of the SLC4A1 protein (p.Trp831Arg). This variant is present in population databases (rs373517146, gnomAD 0.008%). This variant has not been reported in the literature in individuals affected with SLC4A1-related conditions. ClinVar contains an entry for this variant (Variation ID: 1905425). Invitae Evidence Modeling of protein sequence and biophysical properties (such as structural, functional, and spatial information, amino acid conservation, physicochemical variation, residue mobility, and thermodynamic stability) indicates that this missense variant is not expected to disrupt SLC4A1 protein function with a negative predictive value of 80%. In summary, the available evidence is currently insufficient to determine the role of this variant in disease. Therefore, it has been classified as a Variant of Uncertain Significance.

NM_000342.4(SLC4A1):c.2491T>C (p.Trp831Arg)

Gene: SLC4A1 (solute carrier family 4 member 1 (Diego blood group); minus strand). Cytogenetic location: 17q21.31.
Variant type: single nucleotide variant.
Coding change: c.2491T>C on transcript NM_000342.4 (MANE Select); coding-DNA position 2491, T replaced by C.
Protein change: p.Trp831Arg; replaces tryptophan 831 with arginine.
Molecular consequence: missense variant.
Genome position (GRCh38, 1-based): chr17:44,251,323, A>G on the plus strand (T>C on the coding strand, the complement: SLC4A1 is on the minus strand). VCF-style: chr17-44251323-A-G. GRCh37 (hg19) VCF-style: chr17-42328691-A-G.
Other names: c.2491T>C (NM_000342.3); short protein forms W831R.
Identifiers: ClinVar variation 1905425 (VCV001905425.6), dbSNP rs373517146, ClinGen allele CA8600011.